The following is an entry in ClinVar:

NM_001267550.2(TTN):c.103839_103848dup (p.Pro34617fs)

Genes: TTN (titin; minus strand), TTN-AS1 (TTN antisense RNA 1; plus strand). Cytogenetic location: 2q31.2.
Variant type: Duplication.
Coding change: c.103839_103848dup on transcript NM_001267550.2 (MANE Select); coding-DNA positions 103839 to 103848, 10 bases duplicated (TCAATACAGA; older notation c.103839_103848dupTCAATACAGA).
Protein change: p.Pro34617fs; shifts the reading frame from proline 34617.
Molecular consequence: frameshift variant.
Genome position (GRCh38, 1-based): chr2:178,532,767-178,532,776, TCTGTATTGA duplicated on the plus strand (TCAATACAGA on the coding strand, the reverse complement: TTN is on the minus strand); duplicating any 10 consecutive bases within chr2:178,532,767-178,532,782 gives the same sequence; the c. name uses the placement nearest the transcript's 3' end. VCF-style (leftmost placement, unchanged base first): chr2-178532766-G-GTCTGTATTGA. GRCh37 (hg19) VCF-style: chr2-179397493-G-GTCTGTATTGA.
Other names: c.98916_98925dup, p.Pro32976fs (NM_001256850.1); c.76644_76653dup, p.Pro25552fs (NM_003319.4); c.96135_96144dup, p.Pro32049fs (NM_133378.4); c.77019_77028dup, p.Pro25677fs (NM_133432.3); c.77220_77229dup, p.Pro25744fs (NM_133437.4); short protein forms P25552fs, P25677fs, P25744fs, P32049fs, P32976fs, P34617fs.
Identifiers: ClinVar variation 3756768 (VCV003756768.2).

ClinVar aggregate classification (germline): Likely pathogenic (1 of 4 stars; one submission).

Conditions:
Dilated cardiomyopathy 1G (CMD1G). Identifiers: Orphanet 154, MedGen C1858763, MONDO:0011400, OMIM 604145.
Autosomal recessive limb-girdle muscular dystrophy type 2J (LGMDR10). Also called: Limb-girdle muscular dystrophy, type 2J; MUSCULAR DYSTROPHY, LIMB-GIRDLE, AUTOSOMAL RECESSIVE 10. Identifiers: Orphanet 140922, MedGen C1837342, MONDO:0012127, OMIM 608807.

Submission:

Labcorp Genetics (formerly Invitae), Labcorp
Classification: Likely pathogenic for Dilated cardiomyopathy 1G; Autosomal recessive limb-girdle muscular dystrophy type 2J. Last evaluated: 2024-06-11. Review status: criteria provided, single submitter. Criteria: Invitae Variant Classification Sherloc (09022015). Collection method: clinical testing. Allele origin: germline.
Comment: This sequence change creates a premature translational stop signal (p.Pro34617Serfs*5) in the TTN gene. While this is not anticipated to result in nonsense mediated decay, it is expected to create a truncated TTN protein. This variant is not present in population databases (gnomAD no frequency). This variant has not been reported in the literature in individuals affected with TTN-related conditions. This variant is located in the M band of TTN (PMID: 25589632). Truncating variants in this region have been previously reported in individuals affected with autosomal recessive myopathy and muscular dystrophy (PMID: 18948003, 23975875, 24395473). Truncating variants in this region have also been identified in individuals affected with autosomal dominant dilated cardiomyopathy and/or cardio-related conditions (PMID: 27869827, 32964742, Invitae internal data). In summary, the currently available evidence indicates that the variant is pathogenic, but additional data are needed to prove that conclusively. Therefore, this variant has been classified as Likely Pathogenic.

Literature cited by the submitters: PubMed 25589632; PubMed 18948003; PubMed 23975875; PubMed 24395473; PubMed 27869827; PubMed 32964742.